The following is an entry in ClinVar:

NM_000455.5(STK11):c.777C>T (p.Asn259=)

Gene: STK11 (serine/threonine kinase 11; plus strand). Cytogenetic location: 19p13.3.
Variant type: single nucleotide variant.
Coding change: c.777C>T on transcript NM_000455.5 (MANE Select); coding-DNA position 777, C replaced by T.
Protein change: p.Asn259=; no amino-acid change (asparagine 259 retained).
Molecular consequence: synonymous variant.
Genome position (GRCh38, 1-based): chr19:1,221,255, C>T. VCF-style: chr19-1221255-C-T. GRCh37 (hg19) VCF-style: chr19-1221254-C-T.
Identifiers: ClinVar variation 183840 (VCV000183840.18), dbSNP rs786201105, ClinGen allele CA023273.
Genomic context (GRCh38, chr19:1,221,255, plus strand): 5'-CCTCCCCTCGAAATGAAGCTACAACATCACCACGGGTCTGTACCCCTTCGAAGGGGACAA[C>T]ATCTACAAGTTGTTTGAGAACATCGGGAAGGGGAGCTACGCCATCCCGGGCGACTGTGGC-3'
Protein context (NP_000446.1, residues 249-269): TTGLYPFEGD[Asn259=]IYKLFENIGK

ClinVar aggregate classification (germline): Benign/Likely benign. Review status: criteria provided, multiple submitters, no conflicts (2 of 4 stars). 6 submissions from 6 submitters: Benign (1); Likely benign (5). Last evaluated 2025-11-19.

Conditions:
Breast and/or ovarian cancer. Identifiers: MedGen CN221562.
Hereditary cancer-predisposing syndrome. Also called: Tumor predisposition; Hereditary Cancer Syndrome; Hereditary neoplastic syndrome; Neoplastic Syndromes, Hereditary. Identifiers: Orphanet 140162, MedGen C0027672, MeSH D009386, MONDO:0015356.
Peutz-Jeghers syndrome (PJS). Also called: POLYPOSIS, HAMARTOMATOUS INTESTINAL; POLYPS-AND-SPOTS SYNDROME; Peutz-Jeghers polyposis; Periorificial lentiginosis syndrome. Identifiers: Orphanet 2869, MedGen C0031269, MeSH D010580, MONDO:0008280, OMIM 175200.

Allele frequency attached by ClinVar (database versions not stated): gnomAD exomes below 0.00001.
gnomAD v4.1: 2 of 1,612,528 alleles (0.00012%); highest among the groups gnomAD compares: Non-Finnish European, 0.00017%; no homozygotes.

Submissions (6):

Labcorp Genetics (formerly Invitae), Labcorp
Classification: Likely benign for Peutz-Jeghers syndrome. Last evaluated: 2025-11-19. Review status: criteria provided, single submitter. Criteria: Invitae Variant Classification Sherloc (09022015). Collection method: clinical testing. Allele origin: germline.

Myriad Genetics, Inc.
Classification: Benign for Peutz-Jeghers syndrome. Last evaluated: 2025-03-27. Review status: criteria provided, single submitter. Criteria: Myriad Autosomal Dominant, Autosomal Recessive and X-Linked Classification Criteria (2023). Collection method: clinical testing. Allele origin: unknown.
Comment: This variant is considered benign. This variant is a silent/synonymous amino acid change and it is not expected to impact splicing.

Department of Pathology and Laboratory Medicine, Sinai Health System
Classification: Likely benign for Peutz-Jeghers syndrome. Last evaluated: 2023-07-31. Review status: criteria provided, single submitter. Criteria: ACMG Guidelines, 2015. Collection method: clinical testing. Allele origin: germline. Affected: yes.

CHEO Genetics Diagnostic Laboratory, Children's Hospital of Eastern Ontario
Classification: Likely benign for Breast and/or ovarian cancer. Last evaluated: 2022-11-04. Review status: criteria provided, single submitter. Criteria: ACMG Guidelines, 2015. Collection method: clinical testing. Allele origin: germline.

Ambry Genetics
Classification: Likely benign for Hereditary cancer-predisposing syndrome. Last evaluated: 2018-05-23. Review status: criteria provided, single submitter. Criteria: Ambry Variant Classification Scheme 2023. Collection method: clinical testing. Allele origin: germline.

PreventionGenetics, part of Exact Sciences
Classification: Likely benign. Last evaluated: 2017-11-29. Review status: criteria provided, single submitter. Criteria: ACMG Guidelines, 2015. Collection method: clinical testing. Allele origin: germline.